The following is an entry in ClinVar:

NM_006420.3(ARFGEF2):c.1959G>A (p.Leu653=)

Gene: ARFGEF2 (ARF guanine nucleotide exchange factor 2; plus strand). Cytogenetic location: 20q13.13.
Variant type: single nucleotide variant.
Coding change: c.1959G>A on transcript NM_006420.3 (MANE Select); coding-DNA position 1959, G replaced by A.
Protein change: p.Leu653=; no amino-acid change (leucine 653 retained).
Molecular consequence: synonymous variant.
Genome position (GRCh38, 1-based): chr20:48,984,729, G>A. VCF-style: chr20-48984729-G-A. GRCh37 (hg19) VCF-style: chr20-47601266-G-A.
Identifiers: ClinVar variation 434279 (VCV000434279.11), dbSNP rs200238031, ClinGen allele CA9898530.

ClinVar aggregate classification (germline): Uncertain significance. Review status: criteria provided, multiple submitters, no conflicts (2 of 4 stars). 2 submissions from 2 submitters: Uncertain significance (2). Last evaluated 2022-01-28.

Allele frequency attached by ClinVar (database versions not stated): gnomAD 0.00001; gnomAD exomes 0.00001; ExAC 0.00002; ESP Exome Variant Server 0.00008; 1000 Genomes Project 30x 0.00016; 1000 Genomes Project 0.00020.
gnomAD v4.1: 12 of 1,614,022 alleles (0.00074%); highest among the groups gnomAD compares: African/African-American, 0.0027%; no homozygotes.

Submissions (2):

Labcorp Genetics (formerly Invitae), Labcorp
Classification: Uncertain significance. Last evaluated: 2022-01-28. Review status: criteria provided, single submitter. Criteria: Invitae Variant Classification Sherloc (09022015). Collection method: clinical testing. Allele origin: germline.
Comment: In summary, the available evidence is currently insufficient to determine the role of this variant in disease. Therefore, it has been classified as a Variant of Uncertain Significance. Algorithms developed to predict the effect of sequence changes on RNA splicing suggest that this variant is not likely to affect RNA splicing. ClinVar contains an entry for this variant (Variation ID: 434279). This variant has not been reported in the literature in individuals affected with ARFGEF2-related conditions. This variant is present in population databases (rs200238031, gnomAD 0.007%). This sequence change affects codon 653 of the ARFGEF2 mRNA. It is a 'silent' change, meaning that it does not change the encoded amino acid sequence of the ARFGEF2 protein. It affects a nucleotide within the consensus splice site.

Genetic Services Laboratory, University of Chicago
Classification: Uncertain significance. Last evaluated: 2016-07-25. Review status: criteria provided, single submitter. Criteria: ACMG Guidelines, 2015. Collection method: clinical testing. Allele origin: germline. Affected: no.